The following is an entry in ClinVar:

NM_152564.5(VPS13B):c.7622G>C (p.Ser2541Thr)

Gene: VPS13B (vacuolar protein sorting 13 homolog B; plus strand). Cytogenetic location: 8q22.2.
Variant type: single nucleotide variant.
Coding change: c.7622G>C on transcript NM_152564.5 (MANE Select); coding-DNA position 7622, G replaced by C.
Protein change: p.Ser2541Thr; replaces serine 2541 with threonine.
Molecular consequence: missense variant.
Genome position (GRCh38, 1-based): chr8:99,778,874, G>C. VCF-style: chr8-99778874-G-C. GRCh37 (hg19) VCF-style: chr8-100791102-G-C.
Other names: c.7697G>C, p.Ser2566Thr (NM_017890.5); short protein forms S2541T, S2566T.
Identifiers: ClinVar variation 5002594 (VCV005002594.1).
Genomic context (GRCh38, chr8:99,778,874, plus strand): 5'-TCCAGTTCTTAGCTCAAGCAGACTGTAAACTTCTAGAGTGCAGAAATGTCACTATGCAAA[G>C]TGTGGTGAAACCCTTCAGCATCTTCGGGCAGATGGCAGTTTCCAGCGATGTAGTGGAAAA-3'
Protein context (NP_689777.3, residues 2531-2551): LLECRNVTMQ[Ser2541Thr]VVKPFSIFGQ

ClinVar aggregate classification (germline): Uncertain significance (1 of 4 stars; one submission).

Conditions:
VPS13B-related disorder. Also called: VPS13B-related condition.

gnomAD v4.1: 4 of 1,614,036 alleles (0.00025%); highest among the groups gnomAD compares: Non-Finnish European, 0.00034%; no homozygotes.

Submission:

PreventionGenetics, part of Exact Sciences
Classification: Uncertain significance for VPS13B-related condition. Last evaluated: 2025-03-19. Review status: criteria provided, single submitter. Criteria: ACMG Guidelines, 2015. Collection method: clinical testing. Allele origin: germline.
Comment: The VPS13B c.7622G>C variant is predicted to result in the amino acid substitution p.Ser2541Thr. To our knowledge, this variant has not been reported in the literature or in a large population database (gnomAD), indicating this variant is rare. At this time, the clinical significance of this variant is uncertain due to the absence of conclusive functional and genetic evidence.